The following is an entry in ClinVar:

NM_006506.5(RASA2):c.1689G>A (p.Glu563=)

Gene: RASA2 (RAS p21 protein activator 2; plus strand). Cytogenetic location: 3q23.
Variant type: single nucleotide variant.
Coding change: c.1689G>A on transcript NM_006506.5 (MANE Select); coding-DNA position 1689, G replaced by A.
Protein change: p.Glu563=; no amino-acid change (glutamic acid 563 retained).
Molecular consequence: synonymous variant.
Genome position (GRCh38, 1-based): chr3:141,581,114, G>A. VCF-style: chr3-141581114-G-A. GRCh37 (hg19) VCF-style: chr3-141299956-G-A.
Other names: c.1689G>A, p.Glu563= (NM_001303245.3, NM_001303246.3); c.1689G>A (NM_001303246.1).
Identifiers: ClinVar variation 770034 (VCV000770034.12), dbSNP rs748039186, ClinGen allele CA2645594.
Genomic context (GRCh38, chr3:141,581,114, plus strand): 5'-AATTCTCTATTTAACACATATAAACCCTGTGTTTGTTTTTTCTTAGTCAAGTTTCAAAGA[G>A]ACATTCATGTGTGAATTTTTCAAAATGTTTCAAGAAGAAGGATATATTATAGCAGTTAAA-3'
Protein context (NP_006497.2, residues 553-573): SLSKSKSSFK[Glu563=]TFMCEFFKMF

ClinVar aggregate classification (germline): Likely benign. Review status: criteria provided, multiple submitters, no conflicts (2 of 4 stars). 3 submissions from 3 submitters: Likely benign (2). 1 of the submissions does not count toward it. Last evaluated 2026-01-15.

Conditions:
RASA2-related disorder. Also called: RASA2-related condition.

Allele frequency attached by ClinVar (database versions not stated): ExAC 0.00003; gnomAD exomes 0.00004; gnomAD 0.00004; TOPMed 0.00006.
gnomAD v4.1: 171 of 1,536,534 alleles (0.011%); highest among the groups gnomAD compares: Non-Finnish European, 0.015%; no homozygotes.

Submissions (3):

Labcorp Genetics (formerly Invitae), Labcorp
Classification: Likely benign. Last evaluated: 2026-01-15. Review status: criteria provided, single submitter. Criteria: Invitae Variant Classification Sherloc (09022015). Collection method: clinical testing. Allele origin: germline.

Ambry Genetics
Classification: Likely benign. Last evaluated: 2022-03-03. Review status: criteria provided, single submitter. Criteria: Ambry Variant Classification Scheme 2023. Collection method: clinical testing. Allele origin: germline.

PreventionGenetics, part of Exact Sciences
Classification: Likely benign for RASA2-related condition. Last evaluated: 2019-05-10. Review status: no assertion criteria provided. Collection method: clinical testing. Allele origin: germline. Not counted in ClinVar's aggregate classification.
Comment: This variant is classified as likely benign based on ACMG/AMP sequence variant interpretation guidelines (Richards et al. 2015 PMID: 25741868, with internal and published modifications).